The following is an entry in ClinVar:

ClinVar aggregate classification (germline): Pathogenic. Review status: criteria provided, single submitter (1 of 4 stars). 2 submissions from 2 submitters: Pathogenic (1). 1 of the submissions does not count toward it. Last evaluated 2020-12-31.

Conditions:
Hereditary breast ovarian cancer syndrome. Also called: Hereditary breast and ovarian cancer; Hereditary breast and/or ovarian cancer syndrome; Breast and ovarian cancer; BRCA1- and BRCA2-Associated Hereditary Breast and Ovarian Cancer; Hereditary breast and ovarian cancer syndrome (HBOC); Hereditary breast and ovarian cancer syndrome. Identifiers: Orphanet 145, MedGen C0677776, MeSH D061325, MONDO:0003582. Disease mechanism: loss of function.
Breast-ovarian cancer, familial, susceptibility to, 1 (BROVCA1). Also called: OVARIAN CANCER, SUSCEPTIBILITY TO; BRCA1 Hereditary Breast and Ovarian Cancer. Identifiers: Orphanet 145, MedGen C2676676, MONDO:0011450, OMIM 604370. Disease mechanism: loss of function.

Submissions (2):

Labcorp Genetics (formerly Invitae), Labcorp
Classification: Pathogenic for Hereditary breast ovarian cancer syndrome. Last evaluated: 2020-12-31. Review status: criteria provided, single submitter. Criteria: Invitae Variant Classification Sherloc (09022015). Collection method: clinical testing. Allele origin: germline.
Comment: This sequence change creates a premature translational stop signal (p.Leu1407Alafs*7) in the BRCA1 gene. It is expected to result in an absent or disrupted protein product. Loss-of-function variants in BRCA1 are known to be pathogenic (PMID: 20104584). This variant is not present in population databases (ExAC no frequency). This variant has not been reported in the literature in individuals with BRCA1-related conditions. For these reasons, this variant has been classified as Pathogenic.

BRCAlab, Lund University
Classification: Pathogenic for Breast-ovarian cancer, familial, susceptibility to, 1. Last evaluated: 2020-03-02. Review status: no assertion criteria provided. Collection method: clinical testing. Allele origin: germline. Affected: yes. Not counted in ClinVar's aggregate classification.

Literature cited by the submitters: PubMed 20104584 (cited by Labcorp Genetics (formerly Invitae), Labcorp).

NM_007294.4(BRCA1):c.4217dup (p.Leu1407fs)

Gene: BRCA1 (BRCA1 DNA repair associated; minus strand). Cytogenetic location: 17q21.31.
Variant type: Duplication.
Coding change: c.4217dup on transcript NM_007294.4 (MANE Select); coding-DNA position 4217, one base duplicated (A; older notation c.4217dupA).
Protein change: p.Leu1407fs; shifts the reading frame from leucine 1407.
Molecular consequence: frameshift variant. On other transcripts: non-coding transcript variant (1).
Genome position (GRCh38, 1-based): chr17:43,082,544, T duplicated on the plus strand (A on the coding strand, the reverse complement: BRCA1 is on the minus strand); the first of 3 consecutive T bases (chr17:43,082,544-43,082,546); duplicating any one gives the same sequence. VCF-style (leftmost placement, unchanged base first): chr17-43082543-C-CT. GRCh37 (hg19) VCF-style: chr17-41234560-C-CT.
Other names: c.4002dup, p.Leu1336Alafs (NM_001407571.1, NM_001407853.1, NM_001407894.1 and 12 more transcripts); c.4215dup, p.Leu1407Alafs (NM_001407581.1, NM_001407582.1, NM_001407583.1 and 22 more transcripts); c.4212dup, p.Leu1406Alafs (NM_001407587.1, NM_001407590.1, NM_001407591.1 and 21 more transcripts); c.4209dup, p.Leu1405Alafs (NM_001407627.1, NM_001407628.1, NM_001407629.1 and 5 more transcripts); c.4203dup, p.Leu1403Alafs (NM_001407646.1, NM_001407647.1); c.4092dup, p.Leu1366Alafs (NM_001407648.1, NM_001407664.1, NM_001407665.1 and 13 more transcripts); c.4089dup, p.Leu1365Alafs (NM_001407649.1, NM_001407670.1, NM_001407671.1 and 12 more transcripts); c.4137dup, p.Leu1381Alafs (NM_001407653.1, NM_001407654.1, NM_001407655.1 and 2 more transcripts); and 54 more; short protein forms L1407fs, L304fs, L1360fs.
Identifiers: ClinVar variation 1364632 (VCV001364632.8), dbSNP rs2154159696, ClinGen allele CA2573154029.